The following is an entry in ClinVar:

ClinVar aggregate classification (germline): Uncertain significance. Review status: criteria provided, multiple submitters, no conflicts (2 of 4 stars). 2 submissions from 2 submitters: Uncertain significance (2). Last evaluated 2022-09-04.

Conditions:
Inborn genetic diseases. Identifiers: MedGen C0950123, MeSH D030342.

Allele frequency attached by ClinVar (database versions not stated): 1000 Genomes Project 30x 0.00016.
gnomAD v4.1: 39 of 1,612,818 alleles (0.0024%); highest among the groups gnomAD compares: Non-Finnish European, 0.0028%; no homozygotes.

Submissions (2):

Labcorp Genetics (formerly Invitae), Labcorp
Classification: Uncertain significance. Last evaluated: 2022-09-04. Review status: criteria provided, single submitter. Criteria: Invitae Variant Classification Sherloc (09022015). Collection method: clinical testing. Allele origin: germline.
Comment: In summary, the available evidence is currently insufficient to determine the role of this variant in disease. Therefore, it has been classified as a Variant of Uncertain Significance. Algorithms developed to predict the effect of missense changes on protein structure and function output the following: SIFT: "Deleterious"; PolyPhen-2: "Probably Damaging"; Align-GVGD: "Class C0". The tryptophan amino acid residue is found in multiple mammalian species, which suggests that this missense change does not adversely affect protein function. This variant has not been reported in the literature in individuals affected with GP6-related conditions. This variant is present in population databases (rs754590544, gnomAD 0.007%). This sequence change replaces arginine, which is basic and polar, with tryptophan, which is neutral and slightly polar, at codon 324 of the GP6 protein (p.Arg324Trp).

Ambry Genetics
Classification: Uncertain significance for Inborn genetic diseases. Last evaluated: 2022-01-05. Review status: criteria provided, single submitter. Criteria: Ambry Variant Classification Scheme 2023. Collection method: clinical testing. Allele origin: germline.

NM_016363.5(GP6):c.966C>T (p.Asn322=)

Gene: GP6 (glycoprotein VI platelet; minus strand). Cytogenetic location: 19q13.42.
Variant type: single nucleotide variant.
Coding change: c.966C>T on transcript NM_016363.5 (MANE Select); coding-DNA position 966, C replaced by T.
Protein change: p.Asn322=; no amino-acid change (asparagine 322 retained).
Molecular consequence: synonymous variant. On other transcripts: missense variant (1).
Genome position (GRCh38, 1-based): chr19:55,014,975, G>A on the plus strand (C>T on the coding strand, the complement: GP6 is on the minus strand). VCF-style: chr19-55014975-G-A. GRCh37 (hg19) VCF-style: chr19-55526343-G-A.
Other names: c.970C>T, p.Arg324Trp (NM_001083899.2); c.912C>T, p.Asn304= (NM_001256017.2); short protein forms R324W.
Identifiers: ClinVar variation 1973507 (VCV001973507.6), dbSNP rs754590544, ClinGen allele CA310121730.